The following is an entry in ClinVar:

NM_020745.4(AARS2):c.1444C>T (p.Arg482Trp)

Gene: AARS2 (alanyl-tRNA synthetase 2, mitochondrial; minus strand). Cytogenetic location: 6p21.1.
Variant type: single nucleotide variant.
Coding change: c.1444C>T on transcript NM_020745.4 (MANE Select); coding-DNA position 1444, C replaced by T.
Protein change: p.Arg482Trp; replaces arginine 482 with tryptophan.
Molecular consequence: missense variant.
Genome position (GRCh38, 1-based): chr6:44,305,189, G>A on the plus strand (C>T on the coding strand, the complement: AARS2 is on the minus strand). VCF-style: chr6-44305189-G-A. GRCh37 (hg19) VCF-style: chr6-44272926-G-A.
Other names: short protein forms R482W.
Identifiers: ClinVar variation 357071 (VCV000357071.10), dbSNP rs749519355, ClinGen allele CA3834324.

ClinVar aggregate classification (germline): Uncertain significance. Review status: criteria provided, multiple submitters, no conflicts (2 of 4 stars). 3 submissions from 3 submitters: Uncertain significance (3). Last evaluated 2024-07-09.

Conditions:
Combined oxidative phosphorylation defect type 8. Also called: CARDIOMYOPATHY, HYPERTROPHIC MITOCHONDRIAL, FATAL INFANTILE. Identifiers: Orphanet 319504, MedGen C4518839, MONDO:0013570, OMIM 614096.

Allele frequency attached by ClinVar (database versions not stated): ExAC 0.00001; gnomAD exomes 0.00001; gnomAD 0.00005; TOPMed 0.00005.

Submissions (3):

Blueprint Genetics
Classification: Uncertain significance. Last evaluated: 2024-07-09. Review status: criteria provided, single submitter. Criteria: ACMG Guidelines, 2015. Collection method: clinical testing. Allele origin: germline.

Labcorp Genetics (formerly Invitae), Labcorp
Classification: Uncertain significance. Last evaluated: 2023-07-14. Review status: criteria provided, single submitter. Criteria: Invitae Variant Classification Sherloc (09022015). Collection method: clinical testing. Allele origin: germline.
Comment: In summary, the available evidence is currently insufficient to determine the role of this variant in disease. Therefore, it has been classified as a Variant of Uncertain Significance. Advanced modeling of protein sequence and biophysical properties (such as structural, functional, and spatial information, amino acid conservation, physicochemical variation, residue mobility, and thermodynamic stability) performed at Invitae indicates that this missense variant is not expected to disrupt AARS2 protein function. ClinVar contains an entry for this variant (Variation ID: 357071). This variant has not been reported in the literature in individuals affected with AARS2-related conditions. This variant is present in population databases (rs749519355, gnomAD 0.003%). This sequence change replaces arginine, which is basic and polar, with tryptophan, which is neutral and slightly polar, at codon 482 of the AARS2 protein (p.Arg482Trp).

Illumina Laboratory Services, Illumina
Classification: Uncertain significance for Combined oxidative phosphorylation defect type 8. Last evaluated: 2018-01-13. Review status: criteria provided, single submitter. Criteria: ICSL Variant Classification Criteria 13 December 2019. Collection method: clinical testing. Allele origin: germline.